The following is an entry in ClinVar:

ClinVar aggregate classification (germline): Pathogenic (1 of 4 stars; one submission).

Conditions:
Glycogen storage disease, type II (IOPD). Also called: CARDIOMEGALIA GLYCOGENICA DIFFUSA; GLYCOGENOSIS, GENERALIZED, CARDIAC FORM; GSD II; Glycogen storage disease type 2; Acid maltase deficiency disease; Aglucosidase alfa. Identifiers: Orphanet 365, MedGen C0017921, MONDO:0009290, OMIM 232300.

Submission:

Labcorp Genetics (formerly Invitae), Labcorp
Classification: Pathogenic for Glycogen storage disease, type II. Last evaluated: 2020-05-05. Review status: criteria provided, single submitter. Criteria: Invitae Variant Classification Sherloc (09022015). Collection method: clinical testing. Allele origin: unknown.
Comment: The region of the GAA gene that includes exon(s) 18 has been determined to be clinically significant (PMID: 18607768, 8558570, 17723315, 15121988, 19588081, 25752415, 24844452). Therefore, deletions that encompass that region are likely to disrupt protein function and cause disease. This variant has not been reported in the literature in individuals with GAA-related conditions. This variant is a gross deletion of the genomic region encompassing exon(s) 17-20 and part of exon 16 (c.2222_*763delinsCCTCTGTCTGGGC) of the GAA gene. While this deletion is not anticipated to result in nonsense mediated decay, it is expected to create a truncated protein product or disrupt mRNA translation. For these reasons, this variant has been classified as Pathogenic.

Literature cited by the submitters: PubMed 18607768; PubMed 8558570; PubMed 17723315; PubMed 15121988; PubMed 19588081; PubMed 25752415; PubMed 24844452.

NC_000017.10:g.(?_78090799)_(78093893_?)del

Gene: GAA (alpha glucosidase; plus strand). Cytogenetic location: 17q25.3.
Variant type: Deletion.
Identifiers: ClinVar variation 3242837 (VCV003242837.1).